The following is an entry in ClinVar:

NM_024577.4(SH3TC2):c.181C>T (p.Arg61Cys)

Gene: SH3TC2 (SH3 domain and tetratricopeptide repeats 2; minus strand). Cytogenetic location: 5q32.
Variant type: single nucleotide variant.
Coding change: c.181C>T on transcript NM_024577.4 (MANE Select); coding-DNA position 181, C replaced by T.
Protein change: p.Arg61Cys; replaces arginine 61 with cysteine.
Molecular consequence: missense variant.
Genome position (GRCh38, 1-based): chr5:149,047,960, G>A on the plus strand (C>T on the coding strand, the complement: SH3TC2 is on the minus strand). VCF-style: chr5-149047960-G-A. GRCh37 (hg19) VCF-style: chr5-148427523-G-A.
Other names: short protein forms R61C.
Identifiers: ClinVar variation 839688 (VCV000839688.19), dbSNP rs773087313, ClinGen allele CA3499602.
Genomic context (GRCh38, chr5:149,047,960, plus strand): 5'-GTGCCCAGAGCCGCCTCCGAGCAGCTTCCTGTAGGGGTCCATTTACACACCTCCTGGAGC[G>A]GCTCTTTACACAGAAGGAGAGTGTCAGGTCTTAAAGAGAACAGAGAGAGAAGGATCAGGC-3'
Protein context (NP_078853.2, residues 51-71): DLTLSFCVKS[Arg61Cys]SRRCVNGPLQ

ClinVar aggregate classification (germline): Uncertain significance. Review status: criteria provided, multiple submitters, no conflicts (2 of 4 stars). 4 submissions from 4 submitters: Uncertain significance (4). Last evaluated 2025-07-17.

Conditions:
SH3TC2-related disorder. Also called: SH3TC2-related condition; SH3TC2-related disorders. Identifiers: MedGen CN239303.
Inborn genetic diseases. Identifiers: MedGen C0950123, MeSH D030342.
Charcot-Marie-Tooth disease type 4. Also called: Charcot-Marie-Tooth disease, type IV; Charcot-Marie-Tooth, Type 4. Identifiers: Orphanet 64749, MedGen C4082197, MONDO:0018995.

Allele frequency attached by ClinVar (database versions not stated): gnomAD exomes 0.00001 and 0.00002; ExAC 0.00002; gnomAD 0.00003 and 0.00004; TOPMed 0.00004.
gnomAD v4.1: 14 of 1,613,944 alleles (0.00087%); highest among the groups gnomAD compares: East Asian, 0.0067%; no homozygotes.

Submissions (4):

PreventionGenetics, part of Exact Sciences
Classification: Uncertain significance for SH3TC2-related condition. Last evaluated: 2025-07-17. Review status: criteria provided, single submitter. Criteria: ACMG Guidelines, 2015. Collection method: clinical testing. Allele origin: germline.
Comment: The SH3TC2 c.181C>T variant is predicted to result in the amino acid substitution p.Arg61Cys. To our knowledge, this variant has not been reported in the literature. This variant is reported in 0.010% of alleles in individuals of East Asian descent in gnomAD. At this time, the clinical significance of this variant is uncertain due to the absence of conclusive functional and genetic evidence.

Ambry Genetics
Classification: Uncertain significance for Inborn genetic diseases. Last evaluated: 2024-12-11. Review status: criteria provided, single submitter. Criteria: Ambry Variant Classification Scheme 2023. Collection method: clinical testing. Allele origin: germline.

Labcorp Genetics (formerly Invitae), Labcorp
Classification: Uncertain significance for Charcot-Marie-Tooth disease type 4. Last evaluated: 2023-03-08. Review status: criteria provided, single submitter. Criteria: Invitae Variant Classification Sherloc (09022015). Collection method: clinical testing. Allele origin: germline.
Comment: Advanced modeling of protein sequence and biophysical properties (such as structural, functional, and spatial information, amino acid conservation, physicochemical variation, residue mobility, and thermodynamic stability) performed at Invitae indicates that this missense variant is not expected to disrupt SH3TC2 protein function. ClinVar contains an entry for this variant (Variation ID: 839688). This variant has not been reported in the literature in individuals affected with SH3TC2-related conditions. This variant is present in population databases (rs773087313, gnomAD 0.01%). This sequence change replaces arginine, which is basic and polar, with cysteine, which is neutral and slightly polar, at codon 61 of the SH3TC2 protein (p.Arg61Cys). In summary, the available evidence is currently insufficient to determine the role of this variant in disease. Therefore, it has been classified as a Variant of Uncertain Significance.

ARUP Laboratories, Molecular Genetics and Genomics, ARUP Laboratories
Classification: Uncertain significance. Last evaluated: 2017-06-07. Review status: criteria provided, single submitter. Criteria: ARUP Molecular Germline Variant Investigation Process. Collection method: clinical testing. Allele origin: germline.
Comment: The p.Arg61Cys variant (rs773087313) has not been reported in the medical literature, is not listed in gene-specific variant databases, nor has it been previously identified in our laboratory. It is listed in the Genome Aggregation Database (gnomAD) browser with an overall frequency of 0.002% (identified in 5 out of 277,194 chromosomes). The arginine at codon 61 is highly conserved considering 8 species up to Zebrafish (Alamut software v2.9), and computational analyses suggest this variant has a significant effect on SH3TC2 protein structure/function (SIFT: damaging, PolyPhen2: probably damaging, and Mutation Taster: disease causing). However, based on the available information, the clinical significance of the p.Arg61Cys variant cannot be determined with certainty.